The following is an entry in ClinVar:

ClinVar aggregate classification (germline): Likely benign (1 of 4 stars; one submission).

Conditions:
Niemann-Pick disease, type A. Also called: SPHINGOMYELIN LIPIDOSIS; SPHINGOMYELINASE DEFICIENCY; Infantile Neurovisceral ASMD (Niemann-Pick Disease Type A; NPD-A). Identifiers: Orphanet 77292, MedGen C0268242, MONDO:0009756, OMIM 257200. Disease mechanism: loss of function.

Allele frequency attached by ClinVar (database versions not stated): ESP Exome Variant Server 0.01109; gnomAD 0.01446; TOPMed 0.01733; 1000 Genomes Project 0.01957; 1000 Genomes Project 30x 0.02077.
gnomAD v4.1: 4,493 of 1,595,576 alleles (0.28%); highest among the groups gnomAD compares: African/African-American, 5.4%; 125 homozygotes.

Submission:

Illumina Laboratory Services, Illumina
Classification: Likely benign for Niemann-Pick disease, type A. Last evaluated: 2017-04-27. Review status: criteria provided, single submitter. Criteria: ICSL Variant Classification Criteria 13 December 2019. Collection method: clinical testing. Allele origin: germline.
Comment: This variant was observed as part of a predisposition screen in an ostensibly healthy population. A literature search was performed for the gene, cDNA change, and amino acid change (where applicable). No publications were found based on this search. Allele frequency data from public databases allowed determination this variant is unlikely to cause disease. Therefore, this variant is classified as likely benign.

NM_000543.5(SMPD1):c.-45G>C

Genes: SMPD1 (sphingomyelin phosphodiesterase 1; plus strand), LOC130005193 (ATAC-STARR-seq lymphoblastoid silent region 3099; plus strand). Cytogenetic location: 11p15.4.
Variant type: single nucleotide variant.
Coding change: c.-45G>C on transcript NM_000543.5 (MANE Select); 45 bases upstream of the start codon, G replaced by C.
Molecular consequence: 5 prime UTR variant. On other transcripts: non-coding transcript variant (2).
Genome position (GRCh38, 1-based): chr11:6,390,554, G>C. VCF-style: chr11-6390554-G-C. GRCh37 (hg19) VCF-style: chr11-6411784-G-C.
Other names: c.-45G>C (NM_001007593.3, NM_001318087.2, NM_001365135.2); c.-1006G>C (NM_001318088.2).
Identifiers: ClinVar variation 305192 (VCV000305192.5), dbSNP rs79282481, ClinGen allele CA5852436.